The following is an entry in ClinVar:

NM_000540.3(RYR1):c.13132G>A (p.Glu4378Lys)

Gene: RYR1 (ryanodine receptor 1; plus strand). Cytogenetic location: 19q13.2.
Variant type: single nucleotide variant.
Coding change: c.13132G>A on transcript NM_000540.3 (MANE Select); coding-DNA position 13132, G replaced by A.
Protein change: p.Glu4378Lys; replaces glutamic acid 4378 with lysine.
Molecular consequence: missense variant.
Genome position (GRCh38, 1-based): chr19:38,565,466, G>A. VCF-style: chr19-38565466-G-A. GRCh37 (hg19) VCF-style: chr19-39056106-G-A.
Other names: c.13117G>A, p.Glu4373Lys (NM_001042723.2); short protein forms E4373K, E4378K.
Identifiers: ClinVar variation 969671 (VCV000969671.10), dbSNP rs1277191700, ClinGen allele CA405673617.
Genomic context (GRCh38, chr19:38,565,466, plus strand): 5'-CTCTGGGGCTCGCTGTTCGGCGGCGGCCTGGTGGAGGGCGCCAAGAAGGTGACGGTGACC[G>A]AGCTCCTGGCAGGCATGCCCGACCCCACCAGCGACGAGGTGCACGGCGAGCAGCCGGCCG-3'
Protein context (NP_000531.2, residues 4368-4388): VEGAKKVTVT[Glu4378Lys]LLAGMPDPTS

ClinVar aggregate classification (germline): Uncertain significance. Review status: criteria provided, multiple submitters, no conflicts (2 of 4 stars). 2 submissions from 2 submitters: Uncertain significance (2). Last evaluated 2024-07-11.

Conditions:
RYR1-related disorder. Also called: RYR1-related disorders; RYR1-related condition. Identifiers: MedGen CN239331.

Allele frequency attached by ClinVar (database versions not stated): gnomAD exomes below 0.00001.
gnomAD v4.1: 3 of 1,502,568 alleles (0.0002%); highest among the groups gnomAD compares: Non-Finnish European, 0.00018%; no homozygotes.

Submissions (2):

GeneDx
Classification: Uncertain significance. Last evaluated: 2024-07-11. Review status: criteria provided, single submitter. Criteria: GeneDx Variant Classification Process June 2021. Collection method: clinical testing. Allele origin: germline. Affected: yes.
Comment: Not observed at significant frequency in large population cohorts (gnomAD); In silico analysis indicates that this missense variant does not alter protein structure/function; Has not been previously published as pathogenic or benign to our knowledge

Labcorp Genetics (formerly Invitae), Labcorp
Classification: Uncertain significance for RYR1-related disorder. Last evaluated: 2022-12-27. Review status: criteria provided, single submitter. Criteria: Invitae Variant Classification Sherloc (09022015). Collection method: clinical testing. Allele origin: germline.
Comment: This sequence change replaces glutamic acid, which is acidic and polar, with lysine, which is basic and polar, at codon 4378 of the RYR1 protein (p.Glu4378Lys). The frequency data for this variant in the population databases is considered unreliable, as metrics indicate poor data quality at this position in the gnomAD database. This variant has not been reported in the literature in individuals affected with RYR1-related conditions. ClinVar contains an entry for this variant (Variation ID: 969671). Advanced modeling of protein sequence and biophysical properties (such as structural, functional, and spatial information, amino acid conservation, physicochemical variation, residue mobility, and thermodynamic stability) performed at Invitae indicates that this missense variant is not expected to disrupt RYR1 protein function. In summary, the available evidence is currently insufficient to determine the role of this variant in disease. Therefore, it has been classified as a Variant of Uncertain Significance.